The following is an entry in ClinVar:

NM_006514.4(SCN10A):c.3991G>A (p.Asp1331Asn)

Gene: SCN10A (sodium voltage-gated channel alpha subunit 10; minus strand). Cytogenetic location: 3p22.2.
Variant type: single nucleotide variant.
Coding change: c.3991G>A on transcript NM_006514.4 (MANE Select); coding-DNA position 3991, G replaced by A.
Protein change: p.Asp1331Asn; replaces aspartic acid 1331 with asparagine.
Molecular consequence: missense variant.
Genome position (GRCh38, 1-based): chr3:38,712,259, C>T on the plus strand (G>A on the coding strand, the complement: SCN10A is on the minus strand). VCF-style: chr3-38712259-C-T. GRCh37 (hg19) VCF-style: chr3-38753750-C-T.
Other names: c.3991G>A (NM_006514.2); c.3988G>A, p.Asp1330Asn (NM_001293306.2); c.3697G>A, p.Asp1233Asn (NM_001293307.2); short protein forms D1331N, D1233N, D1330N.
Identifiers: ClinVar variation 578540 (VCV000578540.9), dbSNP rs1559415879, ClinGen allele CA352150929.

ClinVar aggregate classification (germline): Uncertain significance. Review status: criteria provided, multiple submitters, no conflicts (2 of 4 stars). 3 submissions from 3 submitters: Uncertain significance (3). Last evaluated 2025-12-26.

Conditions:
Brugada syndrome. Also called: Sudden unexplained nocturnal death syndrome; Sudden unexpected nocturnal death syndrome; Sudden Unexplained Death Syndrome; Sudden Unexplained Nocturnal Death Syndrome (SUNDS). Identifiers: Orphanet 130, MedGen C1142166, MONDO:0015263.
Cardiovascular phenotype. Identifiers: MedGen CN230736.

Allele frequency attached by ClinVar (database versions not stated): TOPMed below 0.00001.

Submissions (3):

Ambry Genetics
Classification: Uncertain significance for Cardiovascular phenotype. Last evaluated: 2025-12-26. Review status: criteria provided, single submitter. Criteria: Ambry Variant Classification Scheme 2023. Collection method: clinical testing. Allele origin: germline.
Comment: The p.D1331N variant (also known as c.3991G>A), located in coding exon 22 of the SCN10A gene, results from a G to A substitution at nucleotide position 3991. The aspartic acid at codon 1331 is replaced by asparagine, an amino acid with highly similar properties. This amino acid position is conserved. In addition, this alteration is predicted to be tolerated by in silico analysis. Based on the available evidence, the clinical significance of this variant remains unclear.

GeneDx
Classification: Uncertain significance. Last evaluated: 2019-03-28. Review status: criteria provided, single submitter. Criteria: GeneDx Variant Classification Process June 2021. Collection method: clinical testing. Allele origin: germline. Affected: yes.
Comment: Not observed in large population cohorts (Lek et al., 2016); In silico analysis, which includes protein predictors and evolutionary conservation, supports a deleterious effect; Has not been previously published as pathogenic or benign to our knowledge; Reported in ClinVar but additional evidence is not available (ClinVar Variant ID# 578540; Landrum et al., 2016)

Labcorp Genetics (formerly Invitae), Labcorp
Classification: Uncertain significance for Brugada syndrome. Last evaluated: 2018-09-24. Review status: criteria provided, single submitter. Criteria: Invitae Variant Classification Sherloc (09022015). Collection method: clinical testing. Allele origin: germline.
Comment: This variant has not been reported in the literature in individuals with SCN10A-related disease. This sequence change replaces aspartic acid with asparagine at codon 1331 of the SCN10A protein (p.Asp1331Asn). The aspartic acid residue is weakly conserved and there is a small physicochemical difference between aspartic acid and asparagine. This variant is not present in population databases (ExAC no frequency). Algorithms developed to predict the effect of missense changes on protein structure and function (SIFT, PolyPhen-2, Align-GVGD) all suggest that this variant is likely to be tolerated, but these predictions have not been confirmed by published functional studies and their clinical significance is uncertain. In summary, the available evidence is currently insufficient to determine the role of this variant in disease. Therefore, it has been classified as a Variant of Uncertain Significance.